The following is an entry in ClinVar:

NM_001365999.1(SZT2):c.7512-17dup

Gene: SZT2 (SZT2 subunit of KICSTOR complex; plus strand). Cytogenetic location: 1p34.2.
Variant type: Duplication.
Coding change: c.7512-17dup on transcript NM_001365999.1 (MANE Select); 17 bases into the intron before coding-DNA position 7512, one base duplicated (A; older notation c.7512-17dupA).
Molecular consequence: intron variant.
Genome position (GRCh38, 1-based): chr1:43,441,487, A duplicated. VCF-style (leftmost placement, unchanged base first): chr1-43441486-T-TA. GRCh37 (hg19) VCF-style: chr1-43907157-T-TA.
Other names: c.7341-17dup (NM_015284.4); c.7341-17dupA (NM_015284.3).
Identifiers: ClinVar variation 2445974 (VCV002445974.1), dbSNP rs2545850405, ClinGen allele CA2580062867.
Genomic context (GRCh38, chr1:43,441,486, plus strand): 5'-GTCACAGATGGGCCTTGGTCTGTATAAACATACAAGTGTCATGTATGGACATGAGGCTCT[T>TA]ACTCCCACTGTCTTCAGGCGCCGGACAACACAGCTAGAAGAGGGTGAGGTGGGGACCCTT-3'

ClinVar aggregate classification (germline): Uncertain significance (1 of 4 stars; one submission).

Allele frequency attached by ClinVar (database versions not stated): gnomAD exomes below 0.00001.

Submission:

Women's Health and Genetics/Laboratory Corporation of America, LabCorp
Classification: Uncertain significance. Last evaluated: 2023-02-25. Review status: criteria provided, single submitter. Criteria: LabCorp Variant Classification Summary - May 2015. Collection method: clinical testing. Allele origin: germline.
Comment: Variant summary: SZT2 (C1orf84) c.7341-17dupA alters a nucleotide located close to a canonical splice site and therefore could affect mRNA splicing, leading to a significantly altered protein sequence. 4/4 computational tools predict no significant impact on normal splicing. However, these predictions have yet to be confirmed by functional studies. The variant was absent in 248992 control chromosomes (gnomAD). The available data on variant occurrences in the general population are insufficient to allow any conclusion about variant significance. To our knowledge, no occurrence of c.7341-17dupA in individuals affected with Early Infantile Epileptic Encephalopathy 18 and no experimental evidence demonstrating its impact on protein function have been reported. No clinical diagnostic laboratories have submitted clinical-significance assessments for this variant to ClinVar after 2014. Based on the evidence outlined above, the variant was classified as uncertain significance.